The following is an entry in ClinVar:

NM_000322.5(PRPH2):c.954_955del (p.Phe319fs)

Gene: PRPH2 (peripherin 2; minus strand). Cytogenetic location: 6p21.1.
Variant type: Deletion.
Coding change: c.954_955del on transcript NM_000322.5 (MANE Select); coding-DNA positions 954 to 955, 2 bases deleted (CT; older notation c.954_955delCT).
Protein change: p.Phe319fs; shifts the reading frame from phenylalanine 319.
Molecular consequence: frameshift variant.
Genome position (GRCh38, 1-based): chr6:42,698,381-42,698,382, AG deleted on the plus strand (CT on the coding strand, the reverse complement: PRPH2 is on the minus strand). VCF-style (leftmost placement, unchanged base first): chr6-42698380-AAG-A. GRCh37 (hg19) VCF-style: chr6-42666118-AAG-A.
Other names: short protein forms F319fs.
Identifiers: ClinVar variation 2698767 (VCV002698767.3), dbSNP rs2548298268, ClinGen allele CA2697553352.
Genomic context (GRCh38, chr6:42,698,380, plus strand): 5'-GCGTCTGCGCCCTCGGCTTCCACCTGGTTGCCCTTGCCCAGCTTCTTCACACTCTCCAGA[AAG>A]GCCTTCCAGGTCTCCGGCACGCTCCTCTCCAGCAGCCAGCCCTGGCTCTCGCTCTCAGAT-3'

ClinVar aggregate classification (germline): Pathogenic (1 of 4 stars; one submission).

Conditions:
PRPH2-related disorder. Also called: PRPH2-related condition; PRPH2-related disorders. Identifiers: MedGen CN239395.

Submission:

Labcorp Genetics (formerly Invitae), Labcorp
Classification: Pathogenic for PRPH2-related disorder. Last evaluated: 2023-11-24. Review status: criteria provided, single submitter. Criteria: Invitae Variant Classification Sherloc (09022015). Collection method: clinical testing. Allele origin: germline.
Comment: This sequence change results in a frameshift in the PRPH2 gene (p.Phe319Serfs*72). While this is not anticipated to result in nonsense mediated decay, it is expected to disrupt the last 28 amino acid(s) of the PRPH2 protein and extend the protein by 43 additional amino acid residues. This variant is not present in population databases (gnomAD no frequency). This variant has not been reported in the literature in individuals affected with PRPH2-related conditions. This variant disrupts a region of the PRPH2 protein in which other variant(s) (p.Val332Glu) have been determined to be pathogenic (PMID: 30718709, 32531846; Invitae). This suggests that this is a clinically significant region of the protein, and that variants that disrupt it are likely to be disease-causing. For these reasons, this variant has been classified as Pathogenic.

Literature cited by the submitters: PubMed 30718709; PubMed 32531846.